The following is an entry in ClinVar:

ClinVar aggregate classification (germline): Uncertain significance (1 of 4 stars; one submission).

Conditions:
X-linked distal spinal muscular atrophy type 3. Also called: SPINAL MUSCULAR ATROPHY, DISTAL, X-LINKED RECESSIVE; NEURONOPATHY, DISTAL HEREDITARY MOTOR, X-LINKED; NEUROPATHY, DISTAL HEREDITARY MOTOR, X-LINKED; ATP7A-Related Distal Motor Neuropathy. Identifiers: Orphanet 139557, MedGen C1845359, MONDO:0010338, OMIM 300489.
Menkes kinky-hair syndrome (MNK). Also called: Copper transport disease; Classic Menkes Disease; Menkes Disease. Identifiers: Orphanet 565, MedGen C0022716, MONDO:0010651, OMIM 309400.
Cutis laxa, X-linked (OHS). Also called: EDS IX; Occipital horn syndrome. Identifiers: Orphanet 198, MedGen C0268353, MONDO:0010572, OMIM 304150.

Allele frequency attached by ClinVar (database versions not stated): gnomAD exomes below 0.00001.
gnomAD v4.1: 1 of 1,210,128 alleles (0.000083%); highest among the groups gnomAD compares: Non-Finnish European, 0.00011%; no homozygotes.

Submission:

Labcorp Genetics (formerly Invitae), Labcorp
Classification: Uncertain significance for X-linked distal spinal muscular atrophy type 3; Cutis laxa, X-linked; Menkes kinky-hair syndrome. Last evaluated: 2022-07-21. Review status: criteria provided, single submitter. Criteria: Invitae Variant Classification Sherloc (09022015). Collection method: clinical testing. Allele origin: germline.
Comment: This variant is not present in population databases (gnomAD no frequency). In summary, the available evidence is currently insufficient to determine the role of this variant in disease. Therefore, it has been classified as a Variant of Uncertain Significance. Algorithms developed to predict the effect of missense changes on protein structure and function are either unavailable or do not agree on the potential impact of this missense change (SIFT: "Deleterious"; PolyPhen-2: "Probably Damaging"; Align-GVGD: "Class C0"). This variant has not been reported in the literature in individuals affected with ATP7A-related conditions. This sequence change replaces serine, which is neutral and polar, with proline, which is neutral and non-polar, at codon 1003 of the ATP7A protein (p.Ser1003Pro).

NM_000052.7(ATP7A):c.3007T>C (p.Ser1003Pro)

Gene: ATP7A (ATPase copper transporting alpha; plus strand). Cytogenetic location: Xq21.1.
Variant type: single nucleotide variant.
Coding change: c.3007T>C on transcript NM_000052.7 (MANE Select); coding-DNA position 3007, T replaced by C.
Protein change: p.Ser1003Pro; replaces serine 1003 with proline.
Molecular consequence: missense variant.
Genome position (GRCh38, 1-based): chrX:78,029,340, T>C. VCF-style: chrX-78029340-T-C. GRCh37 (hg19) VCF-style: chrX-77284837-T-C.
Other names: c.2773T>C, p.Ser925Pro (NM_001282224.2); short protein forms S1003P, S925P.
Identifiers: ClinVar variation 1722297 (VCV001722297.6), dbSNP rs77671794, ClinGen allele CA331104369.
Genomic context (GRCh38, chrX:78,029,340, plus strand): 5'-ACGATAATACGATTTGCTTTCCAAGCCTCTATCACAGTTCTGTGTATTGCATGTCCCTGT[T>C]CACTGGGACTGGCCACTCCAACTGCTGTGATGGTGGGTACAGGAGTAGGTGCTCAAAATG-3'
Protein context (NP_000043.4, residues 993-1013): ITVLCIACPC[Ser1003Pro]LGLATPTAVM